The following is an entry in ClinVar:

ClinVar aggregate classification (germline): Uncertain significance (1 of 4 stars; one submission).

Conditions:
Hereditary cancer-predisposing syndrome. Also called: Hereditary Cancer Syndrome; Neoplastic Syndromes, Hereditary; Tumor predisposition; Hereditary neoplastic syndrome. Identifiers: Orphanet 140162, MedGen C0027672, MeSH D009386, MONDO:0015356.

Submission:

Ambry Genetics
Classification: Uncertain significance for Hereditary cancer-predisposing syndrome. Last evaluated: 2026-08-28. Review status: criteria provided, single submitter. Criteria: Ambry Variant Classification Scheme 2023. Collection method: clinical testing. Allele origin: germline.
Comment: The p.I966T variant (also known as c.2897T>C), located in coding exon 24 of the EGFR gene, results from a T to C substitution at nucleotide position 2897. The isoleucine at codon 966 is replaced by threonine, an amino acid with similar properties. This amino acid position is conserved. In addition, this alteration is predicted to be tolerated by in silico analysis. Based on the available evidence, the clinical significance of this variant remains unclear.

NM_005228.5(EGFR):c.2897T>C (p.Ile966Thr)

Gene: EGFR (epidermal growth factor receptor; plus strand). Cytogenetic location: 7p11.2.
Variant type: single nucleotide variant.
Coding change: c.2897T>C on transcript NM_005228.5 (MANE Select); coding-DNA position 2897, T replaced by C.
Protein change: p.Ile966Thr; replaces isoleucine 966 with threonine.
Molecular consequence: missense variant.
Genome position (GRCh38, 1-based): chr7:55,200,364, T>C. VCF-style: chr7-55200364-T-C. GRCh37 (hg19) VCF-style: chr7-55268057-T-C.
Other names: c.2762T>C, p.Ile921Thr (NM_001346897.2, NM_001346899.2); c.2897T>C, p.Ile966Thr (NM_001346898.2); c.2738T>C, p.Ile913Thr (NM_001346900.2); c.2096T>C, p.Ile699Thr (NM_001346941.2); short protein forms I966T, I921T, I699T, I913T.
Identifiers: ClinVar variation 5035838 (VCV005035838.1).